The following is an entry in ClinVar:

NM_001211.6(BUB1B):c.564A>C (p.Arg188Ser)

Gene: BUB1B (BUB1 mitotic checkpoint serine/threonine kinase B; plus strand). Cytogenetic location: 15q15.1.
Variant type: single nucleotide variant.
Coding change: c.564A>C on transcript NM_001211.6 (MANE Select); coding-DNA position 564, A replaced by C.
Protein change: p.Arg188Ser; replaces arginine 188 with serine.
Molecular consequence: missense variant.
Genome position (GRCh38, 1-based): chr15:40,176,656, A>C. VCF-style: chr15-40176656-A-C. GRCh37 (hg19) VCF-style: chr15-40468857-A-C.
Other names: short protein forms R188S.
Identifiers: ClinVar variation 3221433 (VCV003221433.1), dbSNP rs2542524371, ClinGen allele CA391681525.
Genomic context (GRCh38, chr15:40,176,656, plus strand): 5'-TAGGAAAGCAGATGCGATATTTCAGGAAGGGATTCAACAGAAGGCTGAACCACTAGAAAG[A>C]CTACAGTCCCAGCACCGGTAAACTTTCTTTGGAGCTTGTCTTAACTCTAAAAATAATAGA-3'
Protein context (NP_001202.5, residues 178-198): GIQQKAEPLE[Arg188Ser]LQSQHRQFQA

ClinVar aggregate classification (germline): Uncertain significance (1 of 4 stars; one submission).

Conditions:
Inborn genetic diseases. Identifiers: MedGen C0950123, MeSH D030342.

Allele frequency attached by ClinVar (database versions not stated): gnomAD exomes below 0.00001.
gnomAD v4.1: 2 of 1,614,168 alleles (0.00012%); highest among the groups gnomAD compares: Non-Finnish European, 0.00017%; no homozygotes.

Submission:

Ambry Genetics
Classification: Uncertain significance for Inborn genetic diseases. Last evaluated: 2024-01-16. Review status: criteria provided, single submitter. Criteria: Ambry Variant Classification Scheme 2023. Collection method: clinical testing. Allele origin: germline.
Comment: The p.R188S variant (also known as c.564A>C), located in coding exon 5 of the BUB1B gene, results from an A to C substitution at nucleotide position 564. The arginine at codon 188 is replaced by serine, an amino acid with dissimilar properties. This amino acid position is conserved. In addition, this alteration is predicted to be tolerated by in silico analysis. Since supporting evidence is limited at this time, the clinical significance of this alteration remains unclear.